The following is an entry in ClinVar:

NM_000276.4(OCRL):c.2530C>T (p.Arg844Ter)

Gene: OCRL (OCRL inositol polyphosphate-5-phosphatase; plus strand). Cytogenetic location: Xq26.1.
Variant type: single nucleotide variant.
Coding change: c.2530C>T on transcript NM_000276.4 (MANE Select); coding-DNA position 2530, C replaced by T.
Protein change: p.Arg844Ter; replaces arginine 844 with a stop codon.
Molecular consequence: nonsense.
Genome position (GRCh38, 1-based): chrX:129,589,905, C>T. VCF-style: chrX-129589905-C-T. GRCh37 (hg19) VCF-style: chrX-128723882-C-T.
Other names: OCRL, ARG-TER; c.2533C>T, p.Arg845Ter (NM_001318784.2); c.2506C>T, p.Arg836Ter (NM_001587.4); short protein forms R836*, R844*, R845*.
Identifiers: ClinVar variation 10857 (VCV000010857.19), dbSNP rs387906484, ClinGen allele CA255580.

ClinVar aggregate classification (germline): Pathogenic. Review status: criteria provided, multiple submitters, no conflicts (2 of 4 stars). 6 submissions from 6 submitters: Pathogenic (5). 1 of the submissions does not count toward it. Last evaluated 2025-10-03.

Conditions:
Lowe syndrome (OCRL). Also called: Oculocerebrorenal Syndrome; LOWE OCULOCEREBRORENAL SYNDROME; PHOSPHATIDYLINOSITOL 4,5-BISPHOSPHATE 5-PHOSPHATASE DEFICIENCY. Identifiers: Orphanet 534, MedGen C0028860, MONDO:0010645, OMIM 309000.
Dent disease type 2. Identifiers: Orphanet 1652, Orphanet 93623, MedGen C1845167, MONDO:0010359, OMIM 300555.

Submissions (6):

Rare Kidney Stone Consortium and the Mayo Clinic Hyperoxaluria Center, Mayo Clinic
Classification: Pathogenic for Dent disease type 2; Lowe syndrome. Last evaluated: 2025-10-03. Review status: criteria provided, single submitter. Criteria: ACMG Guidelines, 2015. Collection method: research. Allele origin: germline. Affected: yes. Observed: 1 variant allele.
Comment: ACMG:PVS1, PM2, PP3, PP5

Labcorp Genetics (formerly Invitae), Labcorp
Classification: Pathogenic for Lowe syndrome. Last evaluated: 2023-06-15. Review status: criteria provided, single submitter. Criteria: Invitae Variant Classification Sherloc (09022015). Collection method: clinical testing. Allele origin: germline.
Comment: For these reasons, this variant has been classified as Pathogenic. This variant is not present in population databases (gnomAD no frequency). This sequence change creates a premature translational stop signal (p.Arg844*) in the OCRL gene. It is expected to result in an absent or disrupted protein product. Loss-of-function variants in OCRL are known to be pathogenic (PMID: 19390221, 21031565, 22381590). This premature translational stop signal has been observed in individuals with Lowe syndrome (PMID: 8504307). It has also been observed to segregate with disease in related individuals. This variant is also known as c.2746C>T. ClinVar contains an entry for this variant (Variation ID: 10857). Algorithms developed to predict the effect of sequence changes on RNA splicing suggest that this variant may disrupt the consensus splice site.

Fulgent Genetics
Classification: Pathogenic for Dent disease type 2; Lowe syndrome. Last evaluated: 2021-09-28. Review status: criteria provided, single submitter. Criteria: ACMG Guidelines, 2015. Collection method: clinical testing. Allele origin: unknown.

Victorian Clinical Genetics Services, Murdoch Childrens Research Institute
Classification: Pathogenic for Lowe syndrome. Last evaluated: 2020-10-19. Review status: criteria provided, single submitter. Criteria: ACMG Guidelines, 2015. Collection method: clinical testing. Allele origin: germline. Inheritance: X-linked recessive inheritance. Affected: yes.
Comment: Based on the classification scheme VCGS_Germline_v1.3.3, this variant is classified as Pathogenic. Following criteria are met: 0102 - Loss of function is a known mechanism of disease in this gene and is associated with Lowe syndrome (MIM#309000) and Dent disease 2 (MIM#300555). (I) 0109 - This gene is associated with X-linked recessive disease. (I) 0205 - Variant is predicted to result in a truncated protein (premature termination codon is NOT located at least 54 nucleotides upstream of the final exon-exon junction) with less than 1/3 of the protein sequence affected. (SP) 0253 - This variant is hemizygous. (I) 0301 - Variant is absent from gnomAD (both v2 and v3). (SP) 0701 – Other truncating variants downstream to the one identified in this case have very strong previous evidence for pathogenicity. These variants have been reported as pathogenic (ClinVar, PMID: 21031565). (SP) 0802 - This variant has moderate previous evidence of pathogenicity in unrelated individuals. This variant has been reported as pathogenic and observed in patients with Lowe syndrome (ClinVar, PMID: 21031565). (SP) 0905 - No published segregation evidence has been identified for this variant. (I) 1007 - No published functional evidence has been identified for this variant. (I) 1101 - Very strong and specific phenotype match for this individual. (I) Legend: (SP) - Supporting pathogenic, (I) - Information, (SB) - Supporting benign

GeneDx
Classification: Pathogenic. Last evaluated: 2019-05-31. Review status: criteria provided, single submitter. Criteria: GeneDx Variant Classification Process June 2021. Collection method: clinical testing. Allele origin: germline. Affected: yes.
Comment: Nonsense variant in the C-terminus predicted to result in protein truncation, as the last 58 amino acids are lost, and other loss-of-function variants have been reported downstream in the Human Gene Mutation Database (Stenson et al., 2014); Not observed in large population cohorts (Lek et al., 2016); This variant is associated with the following publications: (PMID: 21031565, 25525159, 8504307)

OMIM
Classification: Pathogenic for LOWE OCULOCEREBRORENAL SYNDROME. Last evaluated: 1993-04-01. Review status: no assertion criteria provided. Collection method: literature only. Allele origin: germline. Not counted in ClinVar's aggregate classification.

Literature cited by the submitters: PubMed 8504307 (cited by 3 submitters); PubMed 25525159 (cited by Rare Kidney Stone Consortium and the Mayo Clinic Hyperoxaluria Center, Mayo Clinic); PubMed 38557732 (cited by Rare Kidney Stone Consortium and the Mayo Clinic Hyperoxaluria Center, Mayo Clinic); PubMed 38589698 (cited by Rare Kidney Stone Consortium and the Mayo Clinic Hyperoxaluria Center, Mayo Clinic); PubMed 40794449 (cited by Rare Kidney Stone Consortium and the Mayo Clinic Hyperoxaluria Center, Mayo Clinic); PubMed 19390221 (cited by Labcorp Genetics (formerly Invitae), Labcorp); PubMed 21031565 (cited by Labcorp Genetics (formerly Invitae), Labcorp and Victorian Clinical Genetics Services, Murdoch Childrens Research Institute); PubMed 22381590 (cited by Labcorp Genetics (formerly Invitae), Labcorp); Leahey, A. M., Olivos, I. M., Bailey, L. C., Nussbaum, R. L. Characterization of the molecular defects in Lowe's syndrome. (Abstract) Am. J. Hum. Genet. 51 (suppl.): A220-only, 1992. (cited by OMIM).